The following is an entry in ClinVar:

ClinVar aggregate classification (germline): Benign. Review status: criteria provided, multiple submitters, no conflicts (2 of 4 stars). 3 submissions from 3 submitters: Benign (3). Last evaluated 2018-07-21.

Conditions:
Deficiency of butyryl-CoA dehydrogenase (ACADSD). Also called: SCAD DEFICIENCY, MILD; ACYL-CoA DEHYDROGENASE, SHORT-CHAIN, DEFICIENCY OF; SCADH DEFICIENCY; ACADS DEFICIENCY; Short-Chain Acyl-CoA Dehydrogenase Deficiency; SCAD Deficiency. Identifiers: Orphanet 26792, MedGen C0342783, MONDO:0008722, OMIM 201470. Disease mechanism: May be benign.

Allele frequency attached by ClinVar (database versions not stated): gnomAD exomes 0.00562; gnomAD 0.04444 and 0.04756; TOPMed 0.05122; 1000 Genomes Project 0.05172; 1000 Genomes Project 30x 0.05700.
gnomAD v4.1: 9,202 of 566,390 alleles (1.6%); highest among the groups gnomAD compares: African/African-American, 15%; 643 homozygotes.

Submissions (3):

GeneDx
Classification: Benign. Last evaluated: 2018-07-21. Review status: criteria provided, single submitter. Criteria: GeneDx Variant Classification Process June 2021. Collection method: clinical testing. Allele origin: germline. Affected: yes.

Illumina Laboratory Services, Illumina
Classification: Benign for Deficiency of butyryl-CoA dehydrogenase. Last evaluated: 2018-01-13. Review status: criteria provided, single submitter. Criteria: ICSL Variant Classification Criteria 13 December 2019. Collection method: clinical testing. Allele origin: germline.
Comment: This variant was observed in the ICSL laboratory as part of a predisposition screen in an ostensibly healthy population. It had not been previously curated by ICSL or reported in the Human Gene Mutation Database (HGMD: prior to June 1st, 2018), and was therefore a candidate for classification through an automated scoring system. Utilizing variant allele frequency, disease prevalence and penetrance estimates, and inheritance mode, an automated score was calculated to assess if this variant is too frequent to cause the disease. Based on the score and internal cut-off values, a variant classified as benign is not then subjected to further curation. The score for this variant resulted in a classification of benign for this disease.

Breakthrough Genomics
Classification: Benign. Review status: criteria provided, single submitter. Criteria: ACMG Guidelines, 2015. Collection method: not provided. Allele origin: germline. Inheritance: Autosomal recessive inheritance. Affected: yes.

NM_000017.4(ACADS):c.*249G>A

Gene: ACADS (acyl-CoA dehydrogenase short chain; plus strand). Cytogenetic location: 12q24.31.
Variant type: single nucleotide variant.
Coding change: c.*249G>A on transcript NM_000017.4 (MANE Select); 249 bases downstream of the stop codon, G replaced by A.
Molecular consequence: 3 prime UTR variant.
Genome position (GRCh38, 1-based): chr12:120,739,697, G>A. VCF-style: chr12-120739697-G-A. GRCh37 (hg19) VCF-style: chr12-121177500-G-A.
Other names: c.*249G>A (NM_001302554.2).
Identifiers: ClinVar variation 307448 (VCV000307448.9), dbSNP rs628909, ClinGen allele CA10641176.